The following is an entry in ClinVar:

NM_014927.5(CNKSR2):c.1685G>A (p.Arg562Gln)

Gene: CNKSR2 (connector enhancer of kinase suppressor of Ras 2; plus strand). Cytogenetic location: Xp22.12.
Variant type: single nucleotide variant.
Coding change: c.1685G>A on transcript NM_014927.5 (MANE Select); coding-DNA position 1685, G replaced by A.
Protein change: p.Arg562Gln; replaces arginine 562 with glutamine.
Molecular consequence: missense variant.
Genome position (GRCh38, 1-based): chrX:21,591,049, G>A. VCF-style: chrX-21591049-G-A. GRCh37 (hg19) VCF-style: chrX-21609167-G-A.
Other names: c.1595G>A, p.Arg532Gln (NM_001168647.3, NM_001330773.2); c.1685G>A, p.Arg562Gln (NM_001168648.3); c.1538G>A, p.Arg513Gln (NM_001168649.3, NM_001330770.2); c.1448G>A, p.Arg483Gln (NM_001330771.2, NM_001330772.2); short protein forms R483Q, R513Q, R532Q, R562Q.
Identifiers: ClinVar variation 2504271 (VCV002504271.1), dbSNP rs2092417476, ClinGen allele CA412554471.

ClinVar aggregate classification (germline): Uncertain significance (1 of 4 stars; one submission).

Allele frequency attached by ClinVar (database versions not stated): gnomAD exomes below 0.00001; TOPMed 0.00001.
gnomAD v4.1: 1 of 1,209,024 alleles (0.000083%); highest among the groups gnomAD compares: Non-Finnish European, 0.00011%; no homozygotes.

Submission:

GeneDx
Classification: Uncertain significance. Last evaluated: 2022-12-05. Review status: criteria provided, single submitter. Criteria: GeneDx Variant Classification Process June 2021. Collection method: clinical testing. Allele origin: germline. Affected: yes.
Comment: Not observed at significant frequency in large population cohorts (gnomAD); In silico analysis supports that this missense variant has a deleterious effect on protein structure/function; Has not been previously published as pathogenic or benign to our knowledge